The following is an entry in ClinVar:

NM_174936.4(PCSK9):c.814C>T (p.Arg272Trp)

Gene: PCSK9 (proprotein convertase subtilisin/kexin type 9; plus strand). Cytogenetic location: 1p32.3.
Variant type: single nucleotide variant.
Coding change: c.814C>T on transcript NM_174936.4 (MANE Select); coding-DNA position 814, C replaced by T.
Protein change: p.Arg272Trp; replaces arginine 272 with tryptophan.
Molecular consequence: missense variant.
Genome position (GRCh38, 1-based): chr1:55,056,007, C>T. VCF-style: chr1-55056007-C-T. GRCh37 (hg19) VCF-style: chr1-55521680-C-T.
Other names: c.937C>T, p.Arg313Trp (NM_001407240.1); c.814C>T, p.Arg272Trp (NM_001407241.1, NM_001407244.1, NM_001407247.1); c.817C>T, p.Arg273Trp (NM_001407242.1); c.757C>T, p.Arg253Trp (NM_001407243.1); c.622C>T, p.Arg208Trp (NM_001407245.1); c.439C>T, p.Arg147Trp (NM_001407246.1); short protein forms R272W, R253W, R273W, R147W, R208W, R313W.
Identifiers: ClinVar variation 920357 (VCV000920357.10), dbSNP rs754744118, ClinGen allele CA044761.

ClinVar aggregate classification (germline): Uncertain significance. Review status: criteria provided, multiple submitters, no conflicts (2 of 4 stars). 4 submissions from 4 submitters: Uncertain significance (4). Last evaluated 2024-12-15.

Conditions:
Familial hypercholesterolemia. Also called: Familial hypercholesterolemias; Familial hypercholesterolaemia. Identifiers: MedGen C0020445, MONDO:0005439.
Hypercholesterolemia, autosomal dominant, 3 (FHCL3). Also called: Familial hypercholesterolemia 3; Familial Hypercholesterolemia, Autosomal Dominant, 3; PCSK9-Related Familial Hypercholesterolemia, Autosomal Dominant. Identifiers: MedGen C1863551, MONDO:0011369, OMIM 603776.

Allele frequency attached by ClinVar (database versions not stated): gnomAD exomes 0.00002 and 0.00005; TOPMed 0.00002; gnomAD 0.00003 and 0.00004; ExAC 0.00008.
gnomAD v4.1: 34 of 1,609,508 alleles (0.0021%); highest among the groups gnomAD compares: Non-Finnish European, 0.0027%; no homozygotes.

Submissions (4):

GeneDx
Classification: Uncertain significance. Last evaluated: 2024-12-15. Review status: criteria provided, single submitter. Criteria: GeneDx Variant Classification Process June 2021. Collection method: clinical testing. Allele origin: germline. Affected: yes.
Comment: In silico analysis supports that this missense variant has a deleterious effect on protein structure/function; Has not been previously published as pathogenic or benign to our knowledge

All of Us Research Program, National Institutes of Health
Classification: Uncertain significance for Hypercholesterolemia, autosomal dominant, 3. Last evaluated: 2024-08-13. Review status: criteria provided, single submitter. Criteria: ACMG Guidelines, 2015. Collection method: clinical testing. Allele origin: germline. Inheritance: Autosomal dominant inheritance. Observed: 10 variant alleles, 10 heterozygotes.
Comment: This missense variant replaces arginine with tryptophan at codon 272 of the PCSK9 protein. Computational prediction suggests that this variant may not impact protein structure and function (internally defined REVEL score threshold <= 0.5, PMID: 27666373). To our knowledge, functional studies have not been reported for this variant. This variant has not been reported in individuals affected with familial hypercholesterolemia in the literature. This variant has been identified in 13/273004 chromosomes in the general population by the Genome Aggregation Database (gnomAD). The available evidence is insufficient to determine the role of this variant in disease conclusively. Therefore, this variant is classified as a Variant of Uncertain Significance.

This study involves interpretation of variants in research participants for the purpose of population health screening. Participant phenotype was not available at the time of variant classification. Additional details can be found in publication PMID: 35346344, PMCID: PMC8962531

Color Diagnostics, LLC DBA Color Health
Classification: Uncertain significance for Familial hypercholesterolemia. Last evaluated: 2024-05-15. Review status: criteria provided, single submitter. Criteria: ACMG Guidelines, 2015. Collection method: clinical testing. Allele origin: germline.
Comment: This missense variant replaces arginine with tryptophan at codon 272 of the PCSK9 protein. Computational prediction tools indicate that this variant has a neutral impact on protein structure and function. To our knowledge, functional studies have not been reported for this variant. This variant has not been reported in individuals affected with PCSK9-related disorders in the literature. This variant has been identified in 13/273004 chromosomes in the general population by the Genome Aggregation Database (gnomAD). The available evidence is insufficient to determine the role of this variant in disease conclusively. Therefore, this variant is classified as a Variant of Uncertain Significance.

Fulgent Genetics
Classification: Uncertain significance for Hypercholesterolemia, autosomal dominant, 3. Last evaluated: 2021-07-07. Review status: criteria provided, single submitter. Criteria: ACMG Guidelines, 2015. Collection method: clinical testing. Allele origin: unknown.